The following is an entry in ClinVar:

NM_000883.4(IMPDH1):c.1048C>T (p.Gln350Ter)

Gene: IMPDH1 (inosine monophosphate dehydrogenase 1; minus strand). Cytogenetic location: 7q32.1.
Variant type: single nucleotide variant.
Coding change: c.1048C>T on transcript NM_000883.4 (MANE Select); coding-DNA position 1048, C replaced by T.
Protein change: p.Gln350Ter; replaces glutamine 350 with a stop codon.
Molecular consequence: nonsense.
Genome position (GRCh38, 1-based): chr7:128,398,440, G>A on the plus strand (C>T on the coding strand, the complement: IMPDH1 is on the minus strand). VCF-style: chr7-128398440-G-A. GRCh37 (hg19) VCF-style: chr7-128038494-G-A.
Other names: c.1018C>T, p.Gln340Ter (NM_001102605.2); c.793C>T, p.Gln265Ter (NM_001142573.2); c.778C>T, p.Gln260Ter (NM_001142574.2); c.718C>T, p.Gln240Ter (NM_001142575.2); c.949C>T, p.Gln317Ter (NM_001142576.2); c.841C>T, p.Gln281Ter (NM_001304521.2); c.940C>T, p.Gln314Ter (NM_183243.3); short protein forms Q260*, Q350*, Q265*, Q281*, Q340*, Q240*, Q314*, Q317*.
Identifiers: ClinVar variation 1442501 (VCV001442501.6), dbSNP rs1218568607, ClinGen allele CA369168007.

ClinVar aggregate classification (germline): Pathogenic (1 of 4 stars; one submission).

Allele frequency attached by ClinVar (database versions not stated): gnomAD exomes below 0.00001.
gnomAD v4.1: 5 of 1,613,436 alleles (0.00031%); highest among the groups gnomAD compares: Non-Finnish European, 0.00042%; no homozygotes.

Submission:

Labcorp Genetics (formerly Invitae), Labcorp
Classification: Pathogenic. Last evaluated: 2024-03-31. Review status: criteria provided, single submitter. Criteria: Invitae Variant Classification Sherloc (09022015). Collection method: clinical testing. Allele origin: germline.
Comment: This sequence change creates a premature translational stop signal (p.Gln350*) in the IMPDH1 gene. It is expected to result in an absent or disrupted protein product. Loss-of-function variants in IMPDH1 are known to be pathogenic (PMID: 14981049, 33090715). This variant is present in population databases (no rsID available, gnomAD 0.0009%). This variant has not been reported in the literature in individuals affected with IMPDH1-related conditions. ClinVar contains an entry for this variant (Variation ID: 1442501). For these reasons, this variant has been classified as Pathogenic.

Literature cited by the submitters: PubMed 14981049; PubMed 33090715.